The following is an entry in ClinVar:

NM_005045.4(RELN):c.4601A>G (p.Gln1534Arg)

Gene: RELN (reelin; minus strand). Cytogenetic location: 7q22.1.
Variant type: single nucleotide variant.
Coding change: c.4601A>G on transcript NM_005045.4 (MANE Select); coding-DNA position 4601, A replaced by G.
Protein change: p.Gln1534Arg; replaces glutamine 1534 with arginine.
Molecular consequence: missense variant.
Genome position (GRCh38, 1-based): chr7:103,566,747, T>C on the plus strand (A>G on the coding strand, the complement: RELN is on the minus strand). VCF-style: chr7-103566747-T-C. GRCh37 (hg19) VCF-style: chr7-103207194-T-C.
Other names: c.4601A>G, p.Gln1534Arg (NM_173054.3); short protein forms Q1534R.
Identifiers: ClinVar variation 2953495 (VCV002953495.3), dbSNP rs2484744490, ClinGen allele CA368748667.

ClinVar aggregate classification (germline): Uncertain significance (1 of 4 stars; one submission).

Conditions:
Norman-Roberts syndrome (LIS2). Also called: Lissencephaly 2 (Norman-Roberts type). Identifiers: Orphanet 89844, MedGen C0796089, MONDO:0009760, OMIM 257320.
Familial temporal lobe epilepsy 7. Identifiers: Orphanet 101046, MedGen C4225327, MONDO:0014639, OMIM 616436.

Submission:

Labcorp Genetics (formerly Invitae), Labcorp
Classification: Uncertain significance for Familial temporal lobe epilepsy 7; Norman-Roberts syndrome. Last evaluated: 2023-11-02. Review status: criteria provided, single submitter. Criteria: Invitae Variant Classification Sherloc (09022015). Collection method: clinical testing. Allele origin: germline.
Comment: This sequence change replaces glutamine, which is neutral and polar, with arginine, which is basic and polar, at codon 1534 of the RELN protein (p.Gln1534Arg). This variant is not present in population databases (gnomAD no frequency). This variant has not been reported in the literature in individuals affected with RELN-related conditions. Advanced modeling of protein sequence and biophysical properties (such as structural, functional, and spatial information, amino acid conservation, physicochemical variation, residue mobility, and thermodynamic stability) performed at Invitae indicates that this missense variant is not expected to disrupt RELN protein function with a negative predictive value of 80%. In summary, the available evidence is currently insufficient to determine the role of this variant in disease. Therefore, it has been classified as a Variant of Uncertain Significance.